The following is an entry in ClinVar:

ClinVar aggregate classification (germline): Likely benign (1 of 4 stars; one submission).

gnomAD v4.1: 42 of 1,613,762 alleles (0.0026%); highest among the groups gnomAD compares: East Asian, 0.013%; no homozygotes.

Submission:

CeGaT Center for Human Genetics Tuebingen
Classification: Likely benign. Last evaluated: 2025-07-01. Review status: criteria provided, single submitter. Criteria: CeGaT Center For Human Genetics Tuebingen Variant Classification Criteria Version 2. Collection method: clinical testing. Allele origin: germline. Affected: yes. Observed: 2 variant alleles.
Comment: MACF1: BP4, BS2

NM_001394062.1(MACF1):c.9458C>T (p.Ser3153Leu)

Gene: MACF1 (microtubule actin crosslinking factor 1; plus strand). Cytogenetic location: 1p34.3.
Variant type: single nucleotide variant.
Coding change: c.9458C>T on transcript NM_001394062.1 (MANE Select); coding-DNA position 9458, C replaced by T.
Protein change: p.Ser3153Leu; replaces serine 3153 with leucine.
Molecular consequence: missense variant. On other transcripts: intron variant (1).
Genome position (GRCh38, 1-based): chr1:39,336,046, C>T. VCF-style: chr1-39336046-C-T. GRCh37 (hg19) VCF-style: chr1-39801718-C-T.
Other names: c.4629+8693C>T (NM_012090.5); short protein forms S3153L.
Identifiers: ClinVar variation 3388380 (VCV003388380.14).